The following is an entry in ClinVar:

NM_000089.4(COL1A2):c.1883G>A (p.Gly628Asp)

Gene: COL1A2 (collagen type I alpha 2 chain; plus strand). Cytogenetic location: 7q21.3.
Variant type: single nucleotide variant.
Coding change: c.1883G>A on transcript NM_000089.4 (MANE Select); coding-DNA position 1883, G replaced by A.
Protein change: p.Gly628Asp; replaces glycine 628 with aspartic acid.
Molecular consequence: missense variant.
Genome position (GRCh38, 1-based): chr7:94,417,743, G>A. VCF-style: chr7-94417743-G-A. GRCh37 (hg19) VCF-style: chr7-94047055-G-A.
Other names: short protein forms G628D.
Identifiers: ClinVar variation 2945561 (VCV002945561.3), dbSNP rs2484721766, ClinGen allele CA368222798.
Genomic context (GRCh38, chr7:94,417,743, plus strand): 5'-CTTTCTCCACTAAAATTGATTTCACATGTGTTTGACTCAAGGGTGAACCTGGTGTGGTTG[G>A]TGCTGTGGGCACTGCTGGTCCATCTGGTCCTAGTGGACTCCCAGGAGAGAGGGGTGCTGC-3'
Protein context (NP_000080.2, residues 618-638): DGNKGEPGVV[Gly628Asp]AVGTAGPSGP

ClinVar aggregate classification (germline): Pathogenic (1 of 4 stars; one submission).

Conditions:
Osteogenesis imperfecta type I (OI1). Also called: Lobstein disease; OI, TYPE I; OSTEOGENESIS IMPERFECTA TARDA; OSTEOGENESIS IMPERFECTA WITH BLUE SCLERAE; Osteogenesis imperfecta type 1; Lobstein's Disease. Identifiers: Orphanet 216796, Orphanet 666, MedGen C0023931, MONDO:0008146, OMIM 166200. Disease mechanism: loss of function.
Ehlers-Danlos syndrome, classic type, 1 (EDSCL1). Also called: EDS I; EHLERS-DANLOS SYNDROME, GRAVIS TYPE; EHLERS-DANLOS SYNDROME, SEVERE CLASSIC TYPE; Ehlers-Danlos syndrome, type 1; Ehlers-Danlos Syndrome, Classic Type, COL5A1-Related. Identifiers: MedGen C0268335, MONDO:0019567, OMIM 130000.

Submission:

Labcorp Genetics (formerly Invitae), Labcorp
Classification: Pathogenic for Osteogenesis imperfecta type I; Ehlers-Danlos syndrome, classic type, 1. Last evaluated: 2023-03-20. Review status: criteria provided, single submitter. Criteria: Invitae Variant Classification Sherloc (09022015). Collection method: clinical testing. Allele origin: germline.
Comment: For these reasons, this variant has been classified as Pathogenic. This variant disrupts the triple helix domain of COL1A2. Glycine residues within the Gly-Xaa-Yaa repeats of the triple helix domain are required for the structure and stability of fibrillar collagens (PMID: 7695699, 8218237, 19344236). In COL1A2, variants affecting these glycine residues are significantly enriched in individuals with disease (PMID: 9016532, 17078022) compared to the general population (ExAC). This sequence change replaces glycine, which is neutral and non-polar, with aspartic acid, which is acidic and polar, at codon 628 of the COL1A2 protein (p.Gly628Asp). This variant is not present in population databases (gnomAD no frequency). This missense change has been observed in individual(s) with autosomal dominant osteogenesis imperfecta (Invitae). Advanced modeling of protein sequence and biophysical properties (such as structural, functional, and spatial information, amino acid conservation, physicochemical variation, residue mobility, and thermodynamic stability) performed at Invitae indicates that this missense variant is expected to disrupt COL1A2 protein function.

Literature cited by the submitters: PubMed 7695699; PubMed 8218237; PubMed 19344236; PubMed 9016532; PubMed 17078022.